The following is an entry in ClinVar:

ClinVar aggregate classification (germline): Pathogenic (1 of 4 stars; one submission).

Conditions:
CHARGE syndrome (CHARGE). Also called: Coloboma, heart anomaly, choanal atresia, retardation, genital and ear anomalies; CHARGE association; Hall-Hittner syndrome; Hittner Hirsch Kreh syndrome; CHARGE ASSOCIATION--COLOBOMA, HEART ANOMALY, CHOANAL ATRESIA, RETARDATION, GENITAL AND EAR ANOMALIES. Identifiers: Orphanet 138, MedGen C0265354, MONDO:0008965.

Submission:

New York Genome Center
Classification: Pathogenic for CHD7-related CHARGE syndrome. Last evaluated: 2021-07-23. Review status: criteria provided, single submitter. Criteria: NYGC Assertion Criteria 2020. Collection method: clinical testing. Allele origin: de novo. Affected: yes. Observed: 1 heterozygote. Study: CSER-NYCKidSeq.
Comment: The de novo heterozygous one nucleotide deletion c.8064del (p.Ile2688MetfsTer21) identified in the CHD7 gene has not been reported in affected individuals in the literature. The variant is absent from gnomAD(v3) database suggesting it is not a common benign variant in the populations represented in that database. The c.8064del (p.Ile2688MetfsTer21) variant is located at the 3’ end of the penultimate exon (in exon 37 of 38) and alters the wild-type translational reading frame. The resultant mutant mRNA is predicted to escape nonsense-mediated mRNA decay. If translated, the mutant protein would lack the last 309 amino acids compared to the full length 2997-amino acid protein. Predicted loss-of-function variants downstream of c.8064del (p.Ile2688MetfsTer21) have been reported as pathogenic/likely pathogenic in ClinVar as well as in the published literature [PMID: 32914532; PMID: 16400610; PMID: 21158681; PMID: 20884005]. Based on the available evidence, the de novo heterozygous one nucleotide deletion c.8064del (p.Ile2688MetfsTer21) identified in the CHD7 gene is reported as Pathogenic.

NM_017780.4(CHD7):c.8064del (p.Ile2688fs)

Gene: CHD7 (chromodomain helicase DNA binding protein 7; plus strand). Cytogenetic location: 8q12.2.
Variant type: Deletion.
Coding change: c.8064del on transcript NM_017780.4 (MANE Select); coding-DNA position 8064, one base deleted (A; older notation c.8064delA).
Protein change: p.Ile2688fs; shifts the reading frame from isoleucine 2688.
Molecular consequence: frameshift variant.
Genome position (GRCh38, 1-based): chr8:60,862,640, A deleted. VCF-style (leftmost placement, unchanged base first): chr8-60862639-TA-T. GRCh37 (hg19) VCF-style: chr8-61775198-TA-T.
Other names: c.1917del, p.Ile639fs (NM_001316690.1); short protein forms I2688fs, I639fs.
Identifiers: ClinVar variation 1679712 (VCV001679712.1), dbSNP rs2129726316, ClinGen allele CA2573143272.
Genomic context (GRCh38, chr8:60,862,639, plus strand): 5'-ATCTACCCAGGTGGCTGGAAGAAAATCCTGAATTTGCAGTTGCTCCAGACTGGACTGATA[TA>T]GTTAAGCAGTCTGTAAGTACAAACTGCATTTCTATCAAGAAAGGTAGCTATACAAAACTG-3'